The following is an entry in ClinVar:

ClinVar aggregate classification (germline): Uncertain significance (1 of 4 stars; one submission).

Submission:

Ambry Genetics
Classification: Uncertain significance. Last evaluated: 2024-12-16. Review status: criteria provided, single submitter. Criteria: Ambry Variant Classification Scheme 2023. Collection method: clinical testing. Allele origin: germline.
Comment: The p.L745R variant (also known as c.2234T>G), located in coding exon 12 of the ATRIP gene, results from a T to G substitution at nucleotide position 2234. The leucine at codon 745 is replaced by arginine, an amino acid with dissimilar properties. This amino acid position is conserved. In addition, the in silico prediction for this alteration is inconclusive. Based on the available evidence, the clinical significance of this variant remains unclear.

NM_130384.3(ATRIP):c.2234T>G (p.Leu745Arg)

Genes: ATRIP (ATR interacting protein; plus strand), ATRIP-TREX1 (ATRIP-TREX1 readthrough; plus strand). Cytogenetic location: 3p21.31.
Variant type: single nucleotide variant.
Coding change: c.2234T>G on transcript NM_130384.3 (MANE Select); coding-DNA position 2234, T replaced by G.
Protein change: p.Leu745Arg; replaces leucine 745 with arginine.
Molecular consequence: missense variant. On other transcripts: non-coding transcript variant (1).
Genome position (GRCh38, 1-based): chr3:48,465,009, T>G. VCF-style: chr3-48465009-T-G. GRCh37 (hg19) VCF-style: chr3-48506408-T-G.
Other names: c.1853T>G, p.Leu618Arg (NM_001271022.2); c.1955T>G, p.Leu652Arg (NM_001271023.2); c.2153T>G, p.Leu718Arg (NM_032166.4); short protein forms L718R, L652R, L618R, L745R.
Identifiers: ClinVar variation 3809064 (VCV003809064.1).
Genomic context (GRCh38, chr3:48,465,009, plus strand): 5'-TGCTGCTGCACGGCCTATCGCAGAAGGACAAGCTCTTCATGATGCACTGCGTGGAGGTCC[T>G]GCATCAGTTTGACCAGGTGATGCCGGGGGTCAGCATGCTCATCCGAGGGCTTCCTGATGT-3'
Protein context (NP_569055.1, residues 735-755): KLFMMHCVEV[Leu745Arg]HQFDQVMPGV